The following is an entry in ClinVar:

ClinVar aggregate classification (germline): Uncertain significance (1 of 4 stars; one submission).

Submission:

Labcorp Genetics (formerly Invitae), Labcorp
Classification: Uncertain significance. Last evaluated: 2022-03-26. Review status: criteria provided, single submitter. Criteria: Invitae Variant Classification Sherloc (09022015). Collection method: clinical testing. Allele origin: germline.
Comment: In summary, the available evidence is currently insufficient to determine the role of this variant in disease. Therefore, it has been classified as a Variant of Uncertain Significance. Algorithms developed to predict the effect of missense changes on protein structure and function are either unavailable or do not agree on the potential impact of this missense change (SIFT: "Tolerated"; PolyPhen-2: "Possibly Damaging"; Align-GVGD: "Class C0"). This variant has not been reported in the literature in individuals affected with EMC1-related conditions. This variant is not present in population databases (gnomAD no frequency). This sequence change replaces glutamine, which is neutral and polar, with leucine, which is neutral and non-polar, at codon 34 of the EMC1 protein (p.Gln34Leu).

NM_015047.3(EMC1):c.101A>T (p.Gln34Leu)

Gene: EMC1 (ER membrane protein complex subunit 1; minus strand). Cytogenetic location: 1p36.13.
Variant type: single nucleotide variant.
Coding change: c.101A>T on transcript NM_015047.3 (MANE Select); coding-DNA position 101, A replaced by T.
Protein change: p.Gln34Leu; replaces glutamine 34 with leucine.
Molecular consequence: missense variant.
Genome position (GRCh38, 1-based): chr1:19,245,025, T>A on the plus strand (A>T on the coding strand, the complement: EMC1 is on the minus strand). VCF-style: chr1-19245025-T-A. GRCh37 (hg19) VCF-style: chr1-19571519-T-A.
Other names: c.101A>T, p.Gln34Leu (NM_001271427.2, NM_001271428.2, NM_001271429.2 and 2 more transcripts); short protein forms Q34L.
Identifiers: ClinVar variation 2116927 (VCV002116927.4), dbSNP rs2151963886, ClinGen allele CA338774261.
Genomic context (GRCh38, chr1:19,245,025, plus strand): 5'-AACTTCTTGGATCCAGGGGAAAATTCCAAGGAGGCAAACTTGACCTTCCCAACATATTGC[T>A]GTCTCCTGAGAAAAAAAGAGTACAGGGGACCATAAGGAGCTAAAATCACCATTCCACAAA-3'
Protein context (NP_055862.1, residues 24-44): EDQVGKFDWR[Gln34Leu]QYVGKVKFAS